The following is an entry in ClinVar:

NM_001134363.3(RBM20):c.563A>G (p.Asn188Ser)

Gene: RBM20 (RNA binding motif protein 20; plus strand). Cytogenetic location: 10q25.2.
Variant type: single nucleotide variant.
Coding change: c.563A>G on transcript NM_001134363.3 (MANE Select); coding-DNA position 563, A replaced by G.
Protein change: p.Asn188Ser; replaces asparagine 188 with serine.
Molecular consequence: missense variant.
Genome position (GRCh38, 1-based): chr10:110,781,172, A>G. VCF-style: chr10-110781172-A-G. GRCh37 (hg19) VCF-style: chr10-112540930-A-G.
Other names: short protein forms N188S.
Identifiers: ClinVar variation 645002 (VCV000645002.11), dbSNP rs1041725339, ClinGen allele CA213234761.

ClinVar aggregate classification (germline): Conflicting classifications of pathogenicity. Review status: criteria provided, conflicting classifications (1 of 4 stars). 3 submissions from 3 submitters: Uncertain significance (2); Likely benign (1). Last evaluated 2026-01-10.

Conditions:
RBM20-related disorder. Also called: RBM20-related condition.
Cardiovascular phenotype. Identifiers: MedGen CN230736.
Dilated cardiomyopathy 1DD (CMD1DD). Identifiers: Orphanet 154, MedGen C2750995, MONDO:0013168, OMIM 613172.

Allele frequency attached by ClinVar (database versions not stated): gnomAD 0.00002 and 0.00003; TOPMed 0.00002.

Submissions (3):

Labcorp Genetics (formerly Invitae), Labcorp
Classification: Uncertain significance for Dilated cardiomyopathy 1DD. Last evaluated: 2026-01-10. Review status: criteria provided, single submitter. Criteria: Invitae Variant Classification Sherloc (09022015). Collection method: clinical testing. Allele origin: germline.
Comment: This sequence change replaces asparagine, which is neutral and polar, with serine, which is neutral and polar, at codon 188 of the RBM20 protein (p.Asn188Ser). This variant is not present in population databases (gnomAD no frequency). This variant has not been reported in the literature in individuals affected with RBM20-related conditions. ClinVar contains an entry for this variant (Variation ID: 645002). Invitae Evidence Modeling of protein sequence and biophysical properties (such as structural, functional, and spatial information, amino acid conservation, physicochemical variation, residue mobility, and thermodynamic stability) indicates that this missense variant is not expected to disrupt RBM20 protein function with a negative predictive value of 95%. In summary, the available evidence is currently insufficient to determine the role of this variant in disease. Therefore, it has been classified as a Variant of Uncertain Significance.

PreventionGenetics, part of Exact Sciences
Classification: Uncertain significance for RBM20-related condition. Last evaluated: 2023-08-10. Review status: criteria provided, single submitter. Criteria: ACMG Guidelines, 2015. Collection method: clinical testing. Allele origin: germline.
Comment: The RBM20 c.563A>G variant is predicted to result in the amino acid substitution p.Asn188Ser. To our knowledge, this variant has not been reported in the literature or in a large population database, indicating this variant is rare. At this time, the clinical significance of this variant is uncertain due to the absence of conclusive functional and genetic evidence.

Ambry Genetics
Classification: Likely benign for Cardiovascular phenotype. Last evaluated: 2021-09-17. Review status: criteria provided, single submitter. Criteria: Ambry Variant Classification Scheme 2023. Collection method: clinical testing. Allele origin: germline.